The following is an entry in ClinVar:

ClinVar aggregate classification (germline): Uncertain significance. Review status: criteria provided, multiple submitters, no conflicts (2 of 4 stars). 2 submissions from 2 submitters: Uncertain significance (2). Last evaluated 2025-11-03.

Allele frequency attached by ClinVar (database versions not stated): ExAC 0.00002; gnomAD exomes 0.00002; gnomAD 0.00006 and 0.00007.

Submissions (2):

Labcorp Genetics (formerly Invitae), Labcorp
Classification: Uncertain significance. Last evaluated: 2025-11-03. Review status: criteria provided, single submitter. Criteria: Invitae Variant Classification Sherloc (09022015). Collection method: clinical testing. Allele origin: germline.
Comment: This sequence change replaces arginine, which is basic and polar, with cysteine, which is neutral and slightly polar, at codon 145 of the MYLK3 protein (p.Arg145Cys). The frequency data for this variant in the population databases is considered unreliable, as metrics indicate poor data quality at this position in the gnomAD database. This variant has not been reported in the literature in individuals affected with MYLK3-related conditions. ClinVar contains an entry for this variant (Variation ID: 1463530). An algorithm developed to predict the effect of missense changes on protein structure and function (PolyPhen-2) suggests that this variant is likely to be tolerated. In summary, the available evidence is currently insufficient to determine the role of this variant in disease. Therefore, it has been classified as a Variant of Uncertain Significance.

Ambry Genetics
Classification: Uncertain significance. Last evaluated: 2023-10-30. Review status: criteria provided, single submitter. Criteria: Ambry Variant Classification Scheme 2023. Collection method: clinical testing. Allele origin: germline.

NM_182493.3(MYLK3):c.433C>T (p.Arg145Cys)

Gene: MYLK3 (myosin light chain kinase 3; minus strand). Cytogenetic location: 16q11.2.
Variant type: single nucleotide variant.
Coding change: c.433C>T on transcript NM_182493.3 (MANE Select); coding-DNA position 433, C replaced by T.
Protein change: p.Arg145Cys; replaces arginine 145 with cysteine.
Molecular consequence: missense variant. On other transcripts: intron variant (1).
Genome position (GRCh38, 1-based): chr16:46,747,761, G>A on the plus strand (C>T on the coding strand, the complement: MYLK3 is on the minus strand). VCF-style: chr16-46747761-G-A. GRCh37 (hg19) VCF-style: chr16-46781673-G-A.
Other names: c.-113-7614C>T (NM_001308301.1); c.433C>T (NM_182493.2); short protein forms R145C.
Identifiers: ClinVar variation 1463530 (VCV001463530.9), dbSNP rs778647098, ClinGen allele CA8038257.